The following is an entry in ClinVar:

ClinVar aggregate classification (germline): Pathogenic (1 of 4 stars; one submission).

Conditions:
Bardet-Biedl syndrome (BBS). Identifiers: Orphanet 110, MedGen C0752166, MONDO:0015229.

Submission:

Labcorp Genetics (formerly Invitae), Labcorp
Classification: Pathogenic for Bardet-Biedl syndrome. Last evaluated: 2021-02-14. Review status: criteria provided, single submitter. Criteria: Invitae Variant Classification Sherloc (09022015). Collection method: clinical testing. Allele origin: germline.
Comment: This variant is not present in population databases (ExAC no frequency). This variant has not been reported in the literature in individuals with BBS10-related conditions. This variant disrupts the C-terminus of the BBS10 protein. Other variant(s) that disrupt this region (p.Val707*) have been determined to be pathogenic (PMID: 25982971, 22773737, 27486776, 20472660). This suggests that variants that disrupt this region of the protein are likely to be causative of disease. For these reasons, this variant has been classified as Pathogenic. This sequence change creates a premature translational stop signal (p.Phe86Leufs*23) in the BBS10 gene. While this is not anticipated to result in nonsense mediated decay, it is expected to disrupt the last 638 amino acid(s) of the BBS10 protein.

Literature cited by the submitters: PubMed 25982971; PubMed 22773737; PubMed 27486776; PubMed 20472660.

NM_024685.4(BBS10):c.258del (p.Phe86fs)

Gene: BBS10 (Bardet-Biedl syndrome 10; minus strand). Cytogenetic location: 12q21.2.
Variant type: Deletion.
Coding change: c.258del on transcript NM_024685.4 (MANE Select); coding-DNA position 258, one base deleted (T; older notation c.258delT).
Protein change: p.Phe86fs; shifts the reading frame from phenylalanine 86.
Molecular consequence: frameshift variant.
Genome position (GRCh38, 1-based): chr12:76,347,727, A deleted on the plus strand (T on the coding strand, the reverse complement: BBS10 is on the minus strand); the first of 3 consecutive A bases (chr12:76,347,727-76,347,729); deleting any one gives the same sequence. VCF-style (leftmost placement, unchanged base first): chr12-76347726-TA-T. GRCh37 (hg19) VCF-style: chr12-76741506-TA-T.
Other names: short protein forms F86fs.
Identifiers: ClinVar variation 1354861 (VCV001354861.8), dbSNP rs1951773957, ClinGen allele CA2047353912.